The following is an entry in ClinVar:

ClinVar aggregate classification (germline): Pathogenic (1 of 4 stars; one submission).

Conditions:
USH2A-related disorder. Also called: USH2A-related condition; USH2A-related disorders. Identifiers: MedGen CN239332.

Submission:

Myriad Genetics, Inc.
Classification: Pathogenic for USH2A-related disorder. Last evaluated: 2023-11-04. Review status: criteria provided, single submitter. Criteria: Myriad Autosomal Dominant, Autosomal Recessive and X-Linked Classification Criteria (2023). Collection method: clinical testing. Allele origin: unknown.
Comment: NM_206933.2(USH2A):c.648_649delGC(Q217Gfs*105) is expected to be pathogenic in the context of USH2A-related disorders. This variant is predicted to lead to an abnormal or absent protein product due to the creation of a premature termination codon in USH2A, a gene where loss-of-function variants are known to be pathogenic. Please note: this variant was assessed in the context of healthy population screening.

NM_206933.4(USH2A):c.648_649del (p.Gln217fs)

Gene: USH2A (usherin; minus strand). Cytogenetic location: 1q41.
Variant type: Deletion.
Coding change: c.648_649del on transcript NM_206933.4 (MANE Select); coding-DNA positions 648 to 649, 2 bases deleted (GC; older notation c.648_649delGC).
Protein change: p.Gln217fs; shifts the reading frame from glutamine 217.
Molecular consequence: frameshift variant.
Genome position (GRCh38, 1-based): chr1:216,418,516-216,418,517, GC deleted on the plus strand (GC on the coding strand, the reverse complement: USH2A is on the minus strand). VCF-style (leftmost placement, unchanged base first): chr1-216418515-TGC-T. GRCh37 (hg19) VCF-style: chr1-216591857-TGC-T.
Other names: c.648_649del, p.Gln217fs (NM_007123.6); short protein forms Q217fs.
Identifiers: ClinVar variation 5012463 (VCV005012463.1).